The following is an entry in ClinVar:

NM_177438.3(DICER1):c.5378A>C (p.Glu1793Ala)

Gene: DICER1 (dicer 1, ribonuclease III; minus strand). Cytogenetic location: 14q32.13.
Variant type: single nucleotide variant.
Coding change: c.5378A>C on transcript NM_177438.3 (MANE Select); coding-DNA position 5378, A replaced by C.
Protein change: p.Glu1793Ala; replaces glutamic acid 1793 with alanine.
Molecular consequence: missense variant. On other transcripts: non-coding transcript variant (6), intron variant (1).
Genome position (GRCh38, 1-based): chr14:95,091,352, T>G on the plus strand (A>C on the coding strand, the complement: DICER1 is on the minus strand). VCF-style: chr14-95091352-T-G. GRCh37 (hg19) VCF-style: chr14-95557689-T-G.
Other names: c.5378A>C, p.Glu1793Ala (NM_001271282.3, NM_001291628.2, NM_001395677.1 and 8 more transcripts); c.5096A>C, p.Glu1699Ala (NM_001395686.1); c.4973A>C, p.Glu1658Ala (NM_001395687.1, NM_001395688.1, NM_001395689.1 and 1 more transcripts); c.4811A>C, p.Glu1604Ala (NM_001395691.1); c.3695A>C, p.Glu1232Ala (NM_001395697.1); c.5365-243A>C (NM_001195573.1); short protein forms E1699A, E1793A, E1604A, E1658A, E1232A.
Identifiers: ClinVar variation 1747133 (VCV001747133.2), dbSNP rs2139779562, ClinGen allele CA390864797.

ClinVar aggregate classification (germline): Uncertain significance (1 of 4 stars; one submission).

Conditions:
Hereditary cancer-predisposing syndrome. Also called: Hereditary Cancer Syndrome; Neoplastic Syndromes, Hereditary; Tumor predisposition; Hereditary neoplastic syndrome. Identifiers: Orphanet 140162, MedGen C0027672, MeSH D009386, MONDO:0015356.

Submission:

Ambry Genetics
Classification: Uncertain significance for Hereditary cancer-predisposing syndrome. Last evaluated: 2021-02-02. Review status: criteria provided, single submitter. Criteria: Ambry Variant Classification Scheme 2023. Collection method: clinical testing. Allele origin: germline.
Comment: The p.E1793A variant (also known as c.5378A>C), located in coding exon 24 of the DICER1 gene, results from an A to C substitution at nucleotide position 5378. The glutamic acid at codon 1793 is replaced by alanine, an amino acid with dissimilar properties. This amino acid position is highly conserved in available vertebrate species. In addition, the in silico prediction for this alteration is inconclusive. Since supporting evidence is limited at this time, the clinical significance of this alteration remains unclear.